The following is an entry in ClinVar:

NM_017668.3(NDE1):c.720C>G (p.Thr240=)

Gene: NDE1 (nudE neurodevelopment protein 1; plus strand). Cytogenetic location: 16p13.11.
Variant type: single nucleotide variant.
Coding change: c.720C>G on transcript NM_017668.3 (MANE Select); coding-DNA position 720, C replaced by G.
Protein change: p.Thr240=; no amino-acid change (threonine 240 retained).
Molecular consequence: synonymous variant.
Genome position (GRCh38, 1-based): chr16:15,694,181, C>G. VCF-style: chr16-15694181-C-G. GRCh37 (hg19) VCF-style: chr16-15788038-C-G.
Other names: c.720C>G, p.Thr240= (NM_001143979.2).
Identifiers: ClinVar variation 3353109 (VCV003353109.1).

ClinVar aggregate classification (germline): Likely benign (0 of 4 stars; one submission).

Conditions:
NDE1-related disorder. Also called: NDE1-related condition; NDE1-Related Disorders.

gnomAD v4.1: 4 of 1,612,754 alleles (0.00025%); highest among the groups gnomAD compares: East Asian, 0.0022%; no homozygotes.

Submission:

PreventionGenetics, part of Exact Sciences
Classification: Likely benign for NDE1-related condition. Last evaluated: 2019-03-28. Review status: no assertion criteria provided. Collection method: clinical testing. Allele origin: germline.
Comment: This variant is classified as likely benign based on ACMG/AMP sequence variant interpretation guidelines (Richards et al. 2015 PMID: 25741868, with internal and published modifications).